The following is an entry in ClinVar:

NM_173685.4(NSMCE2):c.419-18C>T

Gene: NSMCE2 (NSE2 SUMO ligase component of SMC5/6 complex; plus strand). Cytogenetic location: 8q24.13.
Variant type: single nucleotide variant.
Coding change: c.419-18C>T on transcript NM_173685.4 (MANE Select); 18 bases into the intron before coding-DNA position 419, C replaced by T.
Molecular consequence: intron variant.
Genome position (GRCh38, 1-based): chr8:125,357,201, C>T. VCF-style: chr8-125357201-C-T. GRCh37 (hg19) VCF-style: chr8-126369443-C-T.
Other names: c.419-18C>T (NM_001349486.2, NM_001349485.2).
Identifiers: ClinVar variation 1033207 (VCV001033207.8), dbSNP rs372016316, ClinGen allele CA4874402.

ClinVar aggregate classification (germline): Conflicting classifications of pathogenicity. Review status: criteria provided, conflicting classifications (1 of 4 stars). 2 submissions from 2 submitters: Uncertain significance (1); Likely benign (1). Last evaluated 2025-08-20.

Conditions:
Seckel syndrome 10 (SCKL10). Identifiers: MedGen C4310647, MONDO:0014991, OMIM 617253.

Allele frequency attached by ClinVar (database versions not stated): ExAC 0.00002; gnomAD exomes 0.00003 and 0.00005; gnomAD 0.00005 and 0.00010; ESP Exome Variant Server 0.00008; TOPMed 0.00015.
gnomAD v4.1: 59 of 1,500,036 alleles (0.0039%); highest among the groups gnomAD compares: Admixed American, 0.022%; no homozygotes.

Submissions (2):

Labcorp Genetics (formerly Invitae), Labcorp
Classification: Likely benign. Last evaluated: 2025-08-20. Review status: criteria provided, single submitter. Criteria: Invitae Variant Classification Sherloc (09022015). Collection method: clinical testing. Allele origin: germline.

Baylor Genetics
Classification: Uncertain significance for Seckel syndrome 10. Last evaluated: 2018-02-22. Review status: criteria provided, single submitter. Criteria: ACMG Guidelines, 2015. Collection method: clinical testing. Allele origin: paternal. Affected: yes.
Comment: This variant was determined to be of uncertain significance according to ACMG Guidelines, 2015 [PMID:25741868].